The following is an entry in ClinVar:

ClinVar aggregate classification (germline): Uncertain significance. Review status: criteria provided, multiple submitters, no conflicts (2 of 4 stars). 3 submissions from 3 submitters: Uncertain significance (3). Last evaluated 2025-11-03.

Conditions:
Norman-Roberts syndrome (LIS2). Also called: Lissencephaly 2 (Norman-Roberts type). Identifiers: Orphanet 89844, MedGen C0796089, MONDO:0009760, OMIM 257320.
Familial temporal lobe epilepsy 7. Identifiers: Orphanet 101046, MedGen C4225327, MONDO:0014639, OMIM 616436.
Inborn genetic diseases. Identifiers: MedGen C0950123, MeSH D030342.

Allele frequency attached by ClinVar (database versions not stated): gnomAD exomes 0.00004; ExAC 0.00007; TOPMed 0.00008; ESP Exome Variant Server 0.00031.
gnomAD v4.1: 60 of 1,613,982 alleles (0.0037%); highest among the groups gnomAD compares: African/African-American, 0.055%; no homozygotes.

Submissions (3):

Labcorp Genetics (formerly Invitae), Labcorp
Classification: Uncertain significance for Familial temporal lobe epilepsy 7; Norman-Roberts syndrome. Last evaluated: 2025-11-03. Review status: criteria provided, single submitter. Criteria: Invitae Variant Classification Sherloc (09022015). Collection method: clinical testing. Allele origin: germline.
Comment: This sequence change falls in intron 59 of the RELN gene. It does not directly change the encoded amino acid sequence of the RELN protein. It affects a nucleotide within the consensus splice site. This variant is present in population databases (rs376881823, gnomAD 0.07%). This variant has not been reported in the literature in individuals affected with RELN-related conditions. ClinVar contains an entry for this variant (Variation ID: 498490). Variants that disrupt the consensus splice site are a relatively common cause of aberrant splicing (PMID: 17576681, 9536098). Algorithms developed to predict the effect of sequence changes on RNA splicing suggest that this variant may create or strengthen a splice site. In summary, the available evidence is currently insufficient to determine the role of this variant in disease. Therefore, it has been classified as a Variant of Uncertain Significance.

Ambry Genetics
Classification: Uncertain significance for Inborn genetic diseases. Last evaluated: 2025-01-10. Review status: criteria provided, single submitter. Criteria: Ambry Variant Classification Scheme 2023. Collection method: clinical testing. Allele origin: germline.
Comment: The c.9605+6T>A intronic alteration consists of a T to A substitution nucleotides after coding exon 59 in the RELN gene. Based on insufficient or conflicting evidence, the clinical significance of this alteration remains unclear.

Eurofins Ntd Llc (ga)
Classification: Uncertain significance. Last evaluated: 2016-12-27. Review status: criteria provided, single submitter. Criteria: EGL Classification Definitions 2015. Collection method: clinical testing. Allele origin: germline. Observed: 1 variant allele, 1 heterozygote.

Literature cited by the submitters: PubMed 17576681 (cited by Labcorp Genetics (formerly Invitae), Labcorp); PubMed 9536098 (cited by Labcorp Genetics (formerly Invitae), Labcorp).

NM_005045.4(RELN):c.9605+6T>A

Genes: RELN (reelin; minus strand), SLC26A5-AS1 (SLC26A5 antisense RNA 1; plus strand), LOC126860130 (BRD4-independent group 4 enhancer GRCh37_chr7:103130126-103131325; plus strand). Cytogenetic location: 7q22.1.
Variant type: single nucleotide variant.
Coding change: c.9605+6T>A on transcript NM_005045.4 (MANE Select); 6 bases into the intron after coding-DNA position 9605, T replaced by A.
Molecular consequence: intron variant.
Genome position (GRCh38, 1-based): chr7:103,490,662, A>T on the plus strand (T>A on the coding strand, the complement: RELN is on the minus strand). VCF-style: chr7-103490662-A-T. GRCh37 (hg19) VCF-style: chr7-103131109-A-T.
Other names: c.9605+6T>A (NM_173054.3).
Identifiers: ClinVar variation 498490 (VCV000498490.14), dbSNP rs376881823, ClinGen allele CA4420182.